The following is an entry in ClinVar:

ClinVar aggregate classification (germline): Pathogenic. Review status: criteria provided, multiple submitters, no conflicts (2 of 4 stars). 2 submissions from 2 submitters: Pathogenic (2). Last evaluated 2026-01-17.

Conditions:
Early-infantile DEE. Also called: Early infantile epileptic encephalopathy; Ohtahara syndrome; Early infantile epileptic encephalopathy with suppression bursts. Identifiers: Orphanet 1934, MedGen C0393706, MONDO:0800491.

Submissions (2):

GeneDx
Classification: Pathogenic. Last evaluated: 2026-01-17. Review status: criteria provided, single submitter. Criteria: GeneDx Variant Classification Process June 2021. Collection method: clinical testing. Allele origin: germline.
Comment: Not observed at significant frequency in large population cohorts (gnomAD); In silico analysis supports that this missense variant has a deleterious effect on protein structure/function; This variant is associated with the following publications: (PMID: 38880818, 31054490)

Labcorp Genetics (formerly Invitae), Labcorp
Classification: Pathogenic for Early-infantile DEE. Last evaluated: 2025-10-16. Review status: criteria provided, single submitter. Criteria: Invitae Variant Classification Sherloc (09022015). Collection method: clinical testing. Allele origin: germline.
Comment: This sequence change replaces leucine, which is neutral and non-polar, with tryptophan, which is neutral and slightly polar, at codon 224 of the SCN1A protein (p.Leu224Trp). This variant is not present in population databases (gnomAD no frequency). This missense change has been observed in individual(s) with seizures (PMID: 31054490). In at least one individual the variant was observed to be de novo. Invitae Evidence Modeling of protein sequence and biophysical properties (such as structural, functional, and spatial information, amino acid conservation, physicochemical variation, residue mobility, and thermodynamic stability) indicates that this missense variant is expected to disrupt SCN1A protein function with a positive predictive value of 95%. For these reasons, this variant has been classified as Pathogenic.

Literature cited by the submitters: PubMed 31054490 (cited by Labcorp Genetics (formerly Invitae), Labcorp).

NM_001165963.4(SCN1A):c.671T>G (p.Leu224Trp)

Gene: SCN1A (sodium voltage-gated channel alpha subunit 1; minus strand). Cytogenetic location: 2q24.3.
Variant type: single nucleotide variant.
Coding change: c.671T>G on transcript NM_001165963.4 (MANE Select); coding-DNA position 671, T replaced by G.
Protein change: p.Leu224Trp; replaces leucine 224 with tryptophan.
Molecular consequence: missense variant. On other transcripts: 5 prime UTR variant (1), non-coding transcript variant (1).
Genome position (GRCh38, 1-based): chr2:166,052,875, A>C on the plus strand (T>G on the coding strand, the complement: SCN1A is on the minus strand). VCF-style: chr2-166052875-A-C. GRCh37 (hg19) VCF-style: chr2-166909385-A-C.
Other names: c.671T>G (NM_001165963.1); c.671T>G, p.Leu224Trp (NM_001165964.3, NM_001202435.3, NM_001353948.2 and 10 more transcripts); c.-1755T>G (NM_001353961.2); short protein forms L224W.
Identifiers: ClinVar variation 4750119 (VCV004750119.2).